The following is an entry in ClinVar:

ClinVar aggregate classification (germline): Uncertain significance (1 of 4 stars; one submission).

Submission:

Labcorp Genetics (formerly Invitae), Labcorp
Classification: Uncertain significance. Last evaluated: 2023-11-27. Review status: criteria provided, single submitter. Criteria: Invitae Variant Classification Sherloc (09022015). Collection method: clinical testing. Allele origin: germline.
Comment: This sequence change replaces serine, which is neutral and polar, with phenylalanine, which is neutral and non-polar, at codon 2914 of the FAT2 protein (p.Ser2914Phe). This variant is not present in population databases (gnomAD no frequency). This variant has not been reported in the literature in individuals affected with FAT2-related conditions. ClinVar contains an entry for this variant (Variation ID: 1714526). Advanced modeling of protein sequence and biophysical properties (such as structural, functional, and spatial information, amino acid conservation, physicochemical variation, residue mobility, and thermodynamic stability) performed at Invitae indicates that this missense variant is not expected to disrupt FAT2 protein function with a negative predictive value of 80%. In summary, the available evidence is currently insufficient to determine the role of this variant in disease. Therefore, it has been classified as a Variant of Uncertain Significance.

NM_001447.3(FAT2):c.8741C>T (p.Ser2914Phe)

Genes: FAT2 (FAT atypical cadherin 2; minus strand), SLC36A1 (solute carrier family 36 member 1; plus strand). Cytogenetic location: 5q33.1.
Variant type: single nucleotide variant.
Coding change: c.8741C>T on transcript NM_001447.3 (MANE Select); coding-DNA position 8741, C replaced by T.
Protein change: p.Ser2914Phe; replaces serine 2914 with phenylalanine.
Molecular consequence: missense variant.
Genome position (GRCh38, 1-based): chr5:151,542,386, G>A on the plus strand (C>T on the coding strand, the complement: FAT2 is on the minus strand). VCF-style: chr5-151542386-G-A. GRCh37 (hg19) VCF-style: chr5-150921947-G-A.
Other names: short protein forms S2914F.
Identifiers: ClinVar variation 1714526 (VCV001714526.5), dbSNP rs775369235, ClinGen allele CA361830741.